The following is an entry in ClinVar:

ClinVar aggregate classification (germline): Uncertain significance (1 of 4 stars; one submission).

Conditions:
Developmental and epileptic encephalopathy 94 (DEE94). Also called: Epileptic encephalopathy, childhood-onset; CHD2-Related Neurodevelopmental Disorders. Identifiers: Orphanet 1942, Orphanet 2382, MedGen C3809278, MONDO:0014150, OMIM 615369.

Submission:

Labcorp Genetics (formerly Invitae), Labcorp
Classification: Uncertain significance for Developmental and epileptic encephalopathy 94. Last evaluated: 2022-02-08. Review status: criteria provided, single submitter. Criteria: Invitae Variant Classification Sherloc (09022015). Collection method: clinical testing. Allele origin: germline.
Comment: This sequence change affects codon 174 of the CHD2 mRNA. It is a 'silent' change, meaning that it does not change the encoded amino acid sequence of the CHD2 protein. This variant is not present in population databases (gnomAD no frequency). This variant has not been reported in the literature in individuals affected with CHD2-related conditions. Algorithms developed to predict the effect of sequence changes on RNA splicing suggest that this variant may create or strengthen a splice site. In summary, the available evidence is currently insufficient to determine the role of this variant in disease. Therefore, it has been classified as a Variant of Uncertain Significance.

NM_001271.4(CHD2):c.522A>G (p.Lys174=)

Gene: CHD2 (chromodomain helicase DNA binding protein 2; plus strand). Cytogenetic location: 15q26.1.
Variant type: single nucleotide variant.
Coding change: c.522A>G on transcript NM_001271.4 (MANE Select); coding-DNA position 522, A replaced by G.
Protein change: p.Lys174=; no amino-acid change (lysine 174 retained).
Molecular consequence: synonymous variant.
Genome position (GRCh38, 1-based): chr15:92,937,596, A>G. VCF-style: chr15-92937596-A-G. GRCh37 (hg19) VCF-style: chr15-93480826-A-G.
Other names: c.522A>G, p.Lys174= (NM_001042572.3).
Identifiers: ClinVar variation 1463440 (VCV001463440.6), dbSNP rs573405690, ClinGen allele CA492494097.